The following is an entry in ClinVar:

NM_004370.6(COL12A1):c.4385A>G (p.Tyr1462Cys)

Gene: COL12A1 (collagen type XII alpha 1 chain; minus strand). Cytogenetic location: 6q13.
Variant type: single nucleotide variant.
Coding change: c.4385A>G on transcript NM_004370.6 (MANE Select); coding-DNA position 4385, A replaced by G.
Protein change: p.Tyr1462Cys; replaces tyrosine 1462 with cysteine.
Molecular consequence: missense variant.
Genome position (GRCh38, 1-based): chr6:75,147,707, T>C on the plus strand (A>G on the coding strand, the complement: COL12A1 is on the minus strand). VCF-style: chr6-75147707-T-C. GRCh37 (hg19) VCF-style: chr6-75857423-T-C.
Other names: c.4385A>G, p.Tyr1462Cys (NM_001424113.1, NM_001424114.1); c.4112A>G, p.Tyr1371Cys (NM_001424115.1); c.893A>G, p.Tyr298Cys (NM_001424116.1, NM_080645.3); short protein forms Y1462C, Y298C, Y1371C.
Identifiers: ClinVar variation 4791879 (VCV004791879.1).

ClinVar aggregate classification (germline): Uncertain significance (1 of 4 stars; one submission).

Conditions:
Bethlem myopathy 2 (BTHLM2). Identifiers: Orphanet 536516, Orphanet 610, MedGen C4225313, MONDO:0034022, OMIM 616471.
Ullrich congenital muscular dystrophy 2 (UCMD2). Identifiers: Orphanet 75840, MedGen C4225314, MONDO:0014654, OMIM 616470.

gnomAD v4.1: 1 of 1,613,054 alleles (0.000062%); highest among the groups gnomAD compares: South Asian, 0.0011%; no homozygotes.

Submission:

Labcorp Genetics (formerly Invitae), Labcorp
Classification: Uncertain significance for Bethlem myopathy 2; Ullrich congenital muscular dystrophy 2. Last evaluated: 2025-08-08. Review status: criteria provided, single submitter. Criteria: Invitae Variant Classification Sherloc (09022015). Collection method: clinical testing. Allele origin: germline.
Comment: This sequence change replaces tyrosine, which is neutral and polar, with cysteine, which is neutral and slightly polar, at codon 1462 of the COL12A1 protein (p.Tyr1462Cys). This variant is present in population databases (rs768626488, gnomAD 0.003%). This variant has not been reported in the literature in individuals affected with COL12A1-related conditions. Invitae Evidence Modeling of protein sequence and biophysical properties (such as structural, functional, and spatial information, amino acid conservation, physicochemical variation, residue mobility, and thermodynamic stability) indicates that this missense variant is not expected to disrupt COL12A1 protein function with a negative predictive value of 80%. In summary, the available evidence is currently insufficient to determine the role of this variant in disease. Therefore, it has been classified as a Variant of Uncertain Significance.